The following is an entry in ClinVar:

ClinVar aggregate classification (germline): Uncertain significance (1 of 4 stars; one submission).

Allele frequency attached by ClinVar (database versions not stated): TOPMed below 0.00001.

Submission:

Labcorp Genetics (formerly Invitae), Labcorp
Classification: Uncertain significance. Last evaluated: 2021-07-03. Review status: criteria provided, single submitter. Criteria: Invitae Variant Classification Sherloc (09022015). Collection method: clinical testing. Allele origin: germline.
Comment: In summary, the available evidence is currently insufficient to determine the role of this variant in disease. Therefore, it has been classified as a Variant of Uncertain Significance. Algorithms developed to predict the effect of missense changes on protein structure and function are either unavailable or do not agree on the potential impact of this missense change (SIFT: "Not Available"; PolyPhen-2: "Benign"; Align-GVGD: "Not Available"). This variant has not been reported in the literature in individuals affected with VLDLR-related conditions. This variant is not present in population databases (ExAC no frequency). This sequence change replaces leucine with valine at codon 464 of the VLDLR protein (p.Leu464Val). The leucine residue is moderately conserved and there is a small physicochemical difference between leucine and valine.

NM_003383.5(VLDLR):c.1390C>G (p.Leu464Val)

Gene: VLDLR (very low density lipoprotein receptor; plus strand). Cytogenetic location: 9p24.2.
Variant type: single nucleotide variant.
Coding change: c.1390C>G on transcript NM_003383.5 (MANE Select); coding-DNA position 1390, C replaced by G.
Protein change: p.Leu464Val; replaces leucine 464 with valine.
Molecular consequence: missense variant.
Genome position (GRCh38, 1-based): chr9:2,645,651, C>G. VCF-style: chr9-2645651-C-G. GRCh37 (hg19) VCF-style: chr9-2645651-C-G.
Other names: c.1390C>G, p.Leu464Val (NM_001018056.3); c.1267C>G, p.Leu423Val (NM_001322225.2, NM_001322226.2); short protein forms L464V, L423V.
Identifiers: ClinVar variation 1365512 (VCV001365512.8), dbSNP rs34753566, ClinGen allele CA372794510.